The following is an entry in ClinVar:

ClinVar aggregate classification (germline): Uncertain significance (1 of 4 stars; one submission).

Conditions:
MN1-related disorder. Also called: MN1-related condition.

Submission:

PreventionGenetics, part of Exact Sciences
Classification: Uncertain significance for MN1-related condition. Last evaluated: 2026-03-18. Review status: criteria provided, single submitter. Criteria: ACMG Guidelines, 2015. Collection method: clinical testing. Allele origin: germline.
Comment: The MN1 c.364G>A variant is predicted to result in the amino acid substitution p.Asp122Asn. To our knowledge, this variant has not been reported in the literature or in a large population database (gnomAD), indicating this variant is rare. At this time, the clinical significance of this variant is uncertain due to the absence of conclusive functional and genetic evidence.

NM_002430.3(MN1):c.364G>A (p.Asp122Asn)

Gene: MN1 (MN1 proto-oncogene, transcriptional regulator; minus strand). Cytogenetic location: 22q12.1.
Variant type: single nucleotide variant.
Coding change: c.364G>A on transcript NM_002430.3 (MANE Select); coding-DNA position 364, G replaced by A.
Protein change: p.Asp122Asn; replaces aspartic acid 122 with asparagine.
Molecular consequence: missense variant.
Genome position (GRCh38, 1-based): chr22:27,800,180, C>T on the plus strand (G>A on the coding strand, the complement: MN1 is on the minus strand). VCF-style: chr22-27800180-C-T. GRCh37 (hg19) VCF-style: chr22-28196168-C-T.
Other names: short protein forms D122N.
Identifiers: ClinVar variation 4995243 (VCV004995243.1).